The following is an entry in ClinVar:

NC_012920.1(MT-ND6):m.14154T>G

Gene: MT-ND6 (mitochondrially encoded NADH dehydrogenase 6; minus strand).
Variant type: single nucleotide variant.
Genome position: chrM-14154-T-G.
Identifiers: ClinVar variation 693679 (VCV000693679.1), dbSNP rs1603224566, ClinGen allele CA414821154.
Genomic context (GRCh38, chrMT:14,154, plus strand): 5'-TTACTTCCTCTCTTTCTTCTTCCCACTCATCCTAACCCTACTCCTAATCACATAACCTAT[T>G]CCCCCGAGCAATCTCAATTACAATATATACACCAACAAACAATGTTCAACCAGTAACTAC-3'

ClinVar aggregate classification (germline): Uncertain significance (1 of 4 stars; one submission).

Conditions:
Leigh syndrome (NULS). Also called: Leigh's necrotizing encephalopathy; Leigh's disease; Leigh's syndrome; LEIGH SYNDROME, NUCLEAR; Leigh Syndrome (mtDNA deletion); Leigh Disease. Identifiers: Orphanet 506, MedGen C2931891, MONDO:0009723, OMIM 256000.

Submission:

Wong Mito Lab, Molecular and Human Genetics, Baylor College of Medicine
Classification: Uncertain significance for Leigh syndrome. Last evaluated: 2019-10-17. Review status: criteria provided, single submitter. Criteria: Modified ACMG Guidelines (Unpublished). Collection method: clinical testing. Allele origin: germline.
Comment: The NC_012920.1:m.14154T>G (YP_003024037.1:p.Asn174His) variant in MTND6 gene is interpretated to be a Uncertain Significance variant based on the modified ACMG guidelines (unpublished). This variant meets the following evidence codes: PP4